The following is an entry in ClinVar:

ClinVar aggregate classification (germline): Pathogenic. Review status: criteria provided, multiple submitters, no conflicts (2 of 4 stars). 15 submissions from 15 submitters: Pathogenic (14). 1 of the submissions does not count toward it. Last evaluated 2026-02-02.

Conditions:
NAGLU-related disorder. Also called: NAGLU-related condition.
Mucopolysaccharidosis, MPS-III-B (MPS3B). Also called: SANFILIPPO SYNDROME B; MPS III B; MUCOPOLYSACCHARIDOSIS, TYPE IIIB; Mucopolysaccharidosis type IIIB (Sanfilippo B); MPS IIIB (Sanfilippo Syndrome Type B); N-ACETYL-ALPHA-D-GLUCOSAMINIDASE DEFICIENCY. Identifiers: Orphanet 79270, MedGen C0086648, MONDO:0009656, OMIM 252920.
Charcot-Marie-Tooth disease axonal type 2V. Also called: CHARCOT-MARIE-TOOTH NEUROPATHY, TYPE 2V; CHARCOT-MARIE-TOOTH DISEASE, AXONAL, AUTOSOMAL DOMINANT, TYPE 2V. Identifiers: Orphanet 447964, MedGen C5569050, MONDO:0014665, OMIM 616491.
Mucopolysaccharidosis. Also called: Mucopolysaccharidoses. Identifiers: Orphanet 79213, MedGen C0026703, MeSH D009083, MONDO:0019249.

Allele frequency attached by ClinVar (database versions not stated): ESP Exome Variant Server 0.00015; 1000 Genomes Project 0.00020; gnomAD exomes 0.00005 and 0.00016; TOPMed 0.00012; gnomAD 0.00013; 1000 Genomes Project 30x 0.00031; ExAC 0.00012.

Submissions 1 to 11 of 15:

Women's Health and Genetics/Laboratory Corporation of America, LabCorp
Classification: Pathogenic for Mucopolysaccharidosis, MPS-III-B. Last evaluated: 2026-02-02. Review status: criteria provided, single submitter. Criteria: LabCorp Variant Classification Summary - May 2015. Collection method: clinical testing. Allele origin: germline.
Comment: Variant summary: NAGLU c.1834A>G (p.Ser612Gly) results in a non-conservative amino acid change in the encoded protein sequence. Algorithms developed to predict the effect of missense changes on protein structure and function are either unavailable or do not agree on the potential impact of this missense change. The variant allele was found at a frequency of 5.4e-05 in 221328 control chromosomes (gnomAD). This frequency is not significantly higher than estimated for disease-causing variants in NAGLU, allowing no conclusion about variant significance. c.1834A>G has been observed in multiple homozygous and compound heterozygous individuals affected with Mucopolysaccharidosis Type IIIB (Sanfilippo Syndrome B), and all patients were affected with a milder (slowly progressive) form of the disease (e.g. Valstar_2010, Meijer_2016). These data indicate that the variant is very likely to be associated with disease. Publications also reported experimental evidence evaluating an impact on protein function, and demonstrated decreased enzyme activities in patient derived cells, and in in vitro enzyme assays, with activity values in the range of 13-14% of WT, consistent with the range of the attenuated phenotype (e.g. Meijer_2016, Meijer_2017, Clark_2018). The following publications have been ascertained in the context of this evaluation (PMID: 26907177, 28751108, 29979746, 20852935). ClinVar contains an entry for this variant (Variation ID: 522823). Based on the evidence outlined above, the variant was classified as pathogenic.

Labcorp Genetics (formerly Invitae), Labcorp
Classification: Pathogenic for Charcot-Marie-Tooth disease axonal type 2V; Mucopolysaccharidosis, MPS-III-B. Last evaluated: 2026-01-13. Review status: criteria provided, single submitter. Criteria: Invitae Variant Classification Sherloc (09022015). Collection method: clinical testing. Allele origin: germline.
Comment: This sequence change replaces serine, which is neutral and polar, with glycine, which is neutral and non-polar, at codon 612 of the NAGLU protein (p.Ser612Gly). This variant is present in population databases (rs148881970, gnomAD 0.01%). This missense change has been observed in individual(s) with a mild form of mucopolysaccharidosis type IIIB (PMID: 9443875, 20852935, 21712855, 25256447, 26907177). In at least one individual the data is consistent with being in trans (on the opposite chromosome) from a pathogenic variant. ClinVar contains an entry for this variant (Variation ID: 522823). Invitae Evidence Modeling of protein sequence and biophysical properties (such as structural, functional, and spatial information, amino acid conservation, physicochemical variation, residue mobility, and thermodynamic stability) has been performed for this missense variant. However, the output from this modeling did not meet the statistical confidence thresholds required to predict the impact of this variant on NAGLU protein function. Experimental studies have shown that this missense change affects NAGLU function (PMID: 21712855). For these reasons, this variant has been classified as Pathogenic.

Natera, Inc.
Classification: Pathogenic for Mucopolysaccharidosis type IIIB. Last evaluated: 2026-01-12. Review status: criteria provided, single submitter. Criteria: Natera Variant Classification Schema (03/2026). Collection method: clinical testing. Allele origin: germline.
Comment: The c.1834A>G variant in NAGLU is a missense variant predicted to cause substitution of serine to glycine at amino acid 612. This variant is rare in the general population with a frequency below the threshold expected for the associated phenotype(s). This variant has been observed in one or more individuals affected with the associated recessive disease, as either homozygous or compound heterozygous with a second variant (PMID: 20852935). Given the available evidence, this variant is classified as Pathogenic.

PreventionGenetics, part of Exact Sciences
Classification: Pathogenic for NAGLU-related condition. Last evaluated: 2025-12-02. Review status: criteria provided, single submitter. Criteria: ACMG Guidelines, 2015. Collection method: clinical testing. Allele origin: germline.
Comment: The NAGLU c.1834A>G variant is predicted to result in the amino acid substitution p.Ser612Gly. This variant was reported, in the homozygous state or in the heterozygous state along with second possible causative variants, in multiple individuals with Sanfilippo syndrome B (Zhao et al. 1998. PubMed ID: 9443875; Nijmeijer et al. 2019. PubMed ID: 31718697; Valstar et al. 2010. PubMed ID: 20852935; Selmer et al. 2012. PubMed ID: 21712855). A number of affected patients with this variant had an attenuated phenotype, with significantly slower regression of intellectual and motor abilities, suggesting that this may be a more mild variant (Valstar et al. 2010. PubMed ID: 20852935). This variant is reported in 0.012% of alleles in individuals of European (Non-Finnish) descent in gnomAD. This variant is interpreted as pathogenic.

Blueprint Genetics
Classification: Pathogenic for NAGLU-related disorders. Last evaluated: 2024-04-30. Review status: criteria provided, single submitter. Criteria: ACMG Guidelines, 2015. Collection method: clinical testing. Allele origin: germline. Affected: yes. Observed: 5 variant alleles.

Pittsburgh Clinical Genomics Laboratory, University of Pittsburgh Medical Center
Classification: Pathogenic for Mucopolysaccharidosis, MPS-III-B. Last evaluated: 2024-04-22. Review status: criteria provided, single submitter. Criteria: ACMG Guidelines, 2015. Collection method: clinical testing. Allele origin: germline. Inheritance: Autosomal recessive inheritance. Affected: yes.
Comment: This sequence variant is a single nucleotide substitution (A>G) at position 1834 of the coding sequence of the NAGLU gene that results in a serine to glycine amino acid change at residue 612 of the N-acetyl-alpha-glucosaminidase protein. The 612 residue falls in the alpha-N-acetylglucosaminidase domain (UniProt). This is a previously reported variant (ClinVar 522823) that is one of the most commonly observed variants in individuals affected by attenuated mucopolysaccharidosis type IIIB (PMID: 34743503, 9443875, 20852935, 20040070, 26907177). In addition, this variant, while in the compound heterozygous state, cosegregates with attenuated mucopolysaccharidosis type IIIB in a family with four affected siblings (PMID: 21712855). This variant is present in 32 of 373546 alleles (0.0086%) in the gnomAD population dataset. Multiple bioinformatic tools predict that this amino acid change would be damaging, and the Ser612 residue at this position is highly conserved across the vertebrate species examined. In addition, the enzymatic activity of the protein generated from this variant in transfected fibroblasts is significantly reduced relative to the wildtype protein (PMID: 26907177, 29979746, 28751108). Based upon the evidence, we consider this a pathogenic variant. ACMG Criteria: PM3, PP1, PP3, PS3, PS4

Fulgent Genetics
Classification: Pathogenic for Mucopolysaccharidosis, MPS-III-B; Charcot-Marie-Tooth disease axonal type 2V. Last evaluated: 2024-04-15. Review status: criteria provided, single submitter. Criteria: ACMG Guidelines, 2015. Collection method: clinical testing. Allele origin: germline.

GeneDx
Classification: Pathogenic. Last evaluated: 2023-04-21. Review status: criteria provided, single submitter. Criteria: GeneDx Variant Classification Process June 2021. Collection method: clinical testing. Allele origin: germline. Affected: yes.
Comment: Published functional studies demonstrate a damaging effect, as the variant results in loss of enzyme activity (Clark et al., 2018); Not observed at significant frequency in large population cohorts (gnomAD); In silico analysis supports that this missense variant has a deleterious effect on protein structure/function; This variant is associated with the following publications: (PMID: 29979746, 28751108, 20852935, 9443875, 35848209, 31718697, 34347683, 25256447, 21712855, 20040070, 31980526, 26907177)

Institute of Human Genetics, University of Leipzig Medical Center
Classification: Pathogenic for Mucopolysaccharidosis, MPS-III-B. Last evaluated: 2022-02-25. Review status: criteria provided, single submitter. Criteria: ACMG Guidelines, 2015. Collection method: clinical testing. Allele origin: unknown. Inheritance: Autosomal recessive inheritance. Affected: yes.

Revvity Omics, Revvity
Classification: Pathogenic. Last evaluated: 2021-02-05. Review status: criteria provided, single submitter. Criteria: ACMG Guidelines, 2015. Collection method: clinical testing. Allele origin: germline.

Institute of Medical Genetics and Applied Genomics, University Hospital Tübingen
Classification: Pathogenic. Last evaluated: 2020-10-23. Review status: criteria provided, single submitter. Criteria: ACMG Guidelines, 2015. Collection method: clinical testing. Allele origin: germline. Inheritance: Unknown mechanism. Affected: yes.

NM_000263.4(NAGLU):c.1834A>G (p.Ser612Gly)

Gene: NAGLU (N-acetyl-alpha-glucosaminidase; plus strand). Cytogenetic location: 17q21.2.
Variant type: single nucleotide variant.
Coding change: c.1834A>G on transcript NM_000263.4 (MANE Select); coding-DNA position 1834, A replaced by G.
Protein change: p.Ser612Gly; replaces serine 612 with glycine.
Molecular consequence: missense variant.
Genome position (GRCh38, 1-based): chr17:42,543,840, A>G. VCF-style: chr17-42543840-A-G. GRCh37 (hg19) VCF-style: chr17-40695858-A-G.
Other names: short protein forms S612G.
Identifiers: ClinVar variation 522823 (VCV000522823.33), dbSNP rs148881970, ClinGen allele CA8577104.